The following is an entry in ClinVar:

NM_002841.4(PTPRG):c.3766-12_3766-11insTTTTTTTTTTTTTTTTTTTTTTTT

Genes: PTPRG (protein tyrosine phosphatase receptor type G; plus strand), PTPRG-AS1 (PTPRG antisense RNA 1; minus strand). Cytogenetic location: 3p14.2.
Variant type: Insertion.
Coding change: c.3766-12_3766-11insTTTTTTTTTTTTTTTTTTTTTTTT on transcript NM_002841.4 (MANE Select); 12 bases into the intron before coding-DNA position 3766 through 11 bases into the intron before coding-DNA position 3766, TTTTTTTTTTTTTTTTTTTTTTTT inserted.
Molecular consequence: intron variant.
Genome position: GRCh38 VCF-style: chr3-62281538-C-CTTTTTTTTTTTTTTTTTTTTTTTT. GRCh37 (hg19) VCF-style: chr3-62267213-C-CTTTTTTTTTTTTTTTTTTTTTTTT.
Other names: c.3679-12_3679-11insTTTTTTTTTTTTTTTTTTTTTTTT (NM_001375471.1).
Identifiers: ClinVar variation 3025815 (VCV003025815.22), dbSNP rs60919586, ClinGen allele CA916909112.

ClinVar aggregate classification (germline): Likely benign (1 of 4 stars; one submission).

Submission:

CeGaT Center for Human Genetics Tuebingen
Classification: Likely benign. Last evaluated: 2024-02-01. Review status: criteria provided, single submitter. Criteria: CeGaT Center For Human Genetics Tuebingen Variant Classification Criteria Version 2. Collection method: clinical testing. Allele origin: germline. Affected: yes. Observed: 1 variant allele.
Comment: PTPRG: BS2